The following is an entry in ClinVar:

NM_001371904.1(APOA5):c.815C>A (p.Pro272Gln)

Gene: APOA5 (apolipoprotein A5; minus strand). Cytogenetic location: 11q23.3.
Variant type: single nucleotide variant.
Coding change: c.815C>A on transcript NM_001371904.1 (MANE Select); coding-DNA position 815, C replaced by A.
Protein change: p.Pro272Gln; replaces proline 272 with glutamine.
Molecular consequence: missense variant.
Genome position (GRCh38, 1-based): chr11:116,790,414, G>T on the plus strand (C>A on the coding strand, the complement: APOA5 is on the minus strand). VCF-style: chr11-116790414-G-T. GRCh37 (hg19) VCF-style: chr11-116661130-G-T.
Other names: c.815C>A, p.Pro272Gln (NM_001166598.2, NM_052968.5); short protein forms P272Q.
Identifiers: ClinVar variation 2137250 (VCV002137250.5), dbSNP rs772922485, ClinGen allele CA6288988.

ClinVar aggregate classification (germline): Uncertain significance. Review status: criteria provided, multiple submitters, no conflicts (2 of 4 stars). 2 submissions from 2 submitters: Uncertain significance (2). Last evaluated 2025-06-13.

Allele frequency attached by ClinVar (database versions not stated): TOPMed 0.00002.
gnomAD v4.1: 13 of 1,607,614 alleles (0.00081%); highest among the groups gnomAD compares: Admixed American, 0.01%; no homozygotes.

Submissions (2):

Women's Health and Genetics/Laboratory Corporation of America, LabCorp
Classification: Uncertain significance. Last evaluated: 2025-06-13. Review status: criteria provided, single submitter. Criteria: LabCorp Variant Classification Summary - May 2015. Collection method: clinical testing. Allele origin: germline.
Comment: Variant summary: APOA5 c.815C>A (p.Pro272Gln) results in a non-conservative amino acid change in the encoded protein sequence. Algorithms developed to predict the effect of missense changes on protein structure and function are either unavailable or do not agree on the potential impact of this missense change. The variant allele was found at a frequency of 2e-05 in 245418 control chromosomes. The available data on variant occurrences in the general population are insufficient to allow any conclusion about variant significance. c.815C>A has been observed in an individual affected with who suffered an early onset myocardial infarction (Do_2015). This report does not provide unequivocal conclusions about association of the variant with disease. To our knowledge, no experimental evidence demonstrating an impact on protein function has been reported. The following publication has been ascertained in the context of this evaluation (PMID: 25487149). ClinVar contains an entry for this variant (Variation ID: 2137250). Based on the evidence outlined above, the variant was classified as uncertain significance.

Labcorp Genetics (formerly Invitae), Labcorp
Classification: Uncertain significance. Last evaluated: 2022-09-30. Review status: criteria provided, single submitter. Criteria: Invitae Variant Classification Sherloc (09022015). Collection method: clinical testing. Allele origin: germline.
Comment: Algorithms developed to predict the effect of missense changes on protein structure and function are either unavailable or do not agree on the potential impact of this missense change (SIFT: "Tolerated"; PolyPhen-2: "Possibly Damaging"; Align-GVGD: "Class C0"). This missense change has been observed in individual(s) with APOA5-related conditions (PMID: 25487149). This variant is present in population databases (rs772922485, gnomAD 0.01%). This sequence change replaces proline, which is neutral and non-polar, with glutamine, which is neutral and polar, at codon 272 of the APOA5 protein (p.Pro272Gln). In summary, the available evidence is currently insufficient to determine the role of this variant in disease. Therefore, it has been classified as a Variant of Uncertain Significance.

Literature cited by the submitters: PubMed 25487149 (cited by Women's Health and Genetics/Laboratory Corporation of America, LabCorp and Labcorp Genetics (formerly Invitae), Labcorp).